The following is an entry in ClinVar:

NM_001080414.4(CCDC88C):c.4690delinsGGGTGAGTAGGGAGT (p.Arg1564delinsGlyTer)

Gene: CCDC88C (coiled-coil and HOOK domain protein 88C; minus strand). Cytogenetic location: 14q32.11.
Variant type: Indel.
Coding change: c.4690delinsGGGTGAGTAGGGAGT on transcript NM_001080414.4 (MANE Select); coding-DNA position 4690, A replaced by GGGTGAGTAGGGAGT.
Protein change: p.Arg1564delinsGlyTer.
Molecular consequence: nonsense. On other transcripts: non-coding transcript variant (2).
Genome position (GRCh38, 1-based): chr14:91,281,466, T replaced by ACTCCCTACTCACCC on the plus strand (A replaced by GGGTGAGTAGGGAGT on the coding strand, the reverse complement: CCDC88C is on the minus strand). VCF-style: chr14-91281466-T-ACTCCCTACTCACCC. GRCh37 (hg19) VCF-style: chr14-91747810-T-ACTCCCTACTCACCC.
Identifiers: ClinVar variation 5015368 (VCV005015368.1).

ClinVar aggregate classification (germline): Pathogenic (1 of 4 stars; one submission).

Conditions:
Hydrocephalus, nonsyndromic, autosomal recessive 1 (HYC1). Also called: Hydrocephalus, nonsyndromic, autosomal recessive; Congenital hydrocephalus 1. Identifiers: Orphanet 2185, MedGen C3887608, MONDO:0009360, OMIM 236600.

Submission:

Myriad Genetics, Inc.
Classification: Pathogenic for Hydrocephalus, nonsyndromic, autosomal recessive 1. Last evaluated: 2025-12-25. Review status: criteria provided, single submitter. Criteria: Myriad Autosomal Dominant, Autosomal Recessive and X-Linked Classification Criteria (2023). Collection method: clinical testing. Allele origin: unknown.
Comment: NM_001080414.3(CCDC88C):c.4690del1ins15(R1564Gfs*2) is expected to be pathogenic in the context of congenital hydrocephalus, CCDC88C-related. This variant is predicted to lead to an abnormal or absent protein product due to the creation of a premature termination codon in CCDC88C, a gene where loss-of-function variants are known to be pathogenic. Please note: this variant was assessed in the context of healthy population screening.